The following is an entry in ClinVar:

ClinVar aggregate classification (germline): Pathogenic (1 of 4 stars; one submission).

Conditions:
Primary ciliary dyskinesia. Also called: Ciliary dyskinesia. Identifiers: Orphanet 244, MedGen C0008780, MONDO:0016575, HP:0012265.

Submission:

Labcorp Genetics (formerly Invitae), Labcorp
Classification: Pathogenic for Primary ciliary dyskinesia. Last evaluated: 2023-03-13. Review status: criteria provided, single submitter. Criteria: Invitae Variant Classification Sherloc (09022015). Collection method: clinical testing. Allele origin: unknown.
Comment: This variant is a gross deletion of the genomic region encompassing exon(s) 1-13 of the CCDC39 gene, which includes the initiator codon. This deletion extends beyond the assayed region for this gene and therefore may encompass additional genes. It is expected to result in an absent or disrupted protein product. Loss-of-function variants in CCDC39 are known to be pathogenic (PMID: 21131972, 23255504). This variant has not been reported in the literature in individuals affected with CCDC39-related conditions. For these reasons, this variant has been classified as Pathogenic.

Literature cited by the submitters: PubMed 21131972; PubMed 23255504.

NC_000003.11:g.(?_180359761)_(180397168_?)del

Gene: CCDC39 (coiled-coil domain 39 molecular ruler complex subunit; minus strand). Cytogenetic location: 3q26.33.
Variant type: Deletion.
Identifiers: ClinVar variation 3246787 (VCV003246787.1).